The following is an entry in ClinVar:

ClinVar aggregate classification (germline): Pathogenic. Review status: criteria provided, multiple submitters, no conflicts (2 of 4 stars). 7 submissions from 7 submitters: Pathogenic (6). 1 of the submissions does not count toward it. Last evaluated 2026-03-30.

Conditions:
Schimke immuno-osseous dysplasia (SIOD). Also called: Schimke Immunoosseous Dysplasia. Identifiers: Orphanet 1830, MedGen C0877024, MONDO:0009458, OMIM 242900.
SMARCAL1-related disorder. Also called: SMARCAL1-related condition.

Allele frequency attached by ClinVar (database versions not stated): gnomAD 0.00004 and 0.00005; gnomAD exomes 0.00005 and 0.00012; TOPMed 0.00006; ExAC 0.00009.
gnomAD v4.1: 82 of 1,612,504 alleles (0.0051%); highest among the groups gnomAD compares: Admixed American, 0.0017%; no homozygotes.

Submissions (8):

PreventionGenetics, part of Exact Sciences
Classification: Pathogenic for SMARCAL1-related condition. Last evaluated: 2026-03-30. Review status: criteria provided, single submitter. Criteria: ACMG Guidelines, 2015. Collection method: clinical testing. Allele origin: germline.
Comment: The SMARCAL1 c.863-2A>G variant is predicted to disrupt the AG splice acceptor site and interfere with normal splicing. In the literature this variant is also reported as IVS4-2A>G. This variant has been reported in the compound heterozygous and homozygous states in individuals with Schimke immuno-osseous dysplasia (Boerkoel et al. 2002. PubMed ID: 11799392; Dekel et al. 2008. PubMed ID: 18356746; Morimoto et al. 2012. PubMed ID: 22998683). Of note, other splicing variants impacting c.863 have also been reported as causative (Boerkoel et al. 2002. PubMed ID: 11799392). This variant is reported in 0.26% of alleles in individuals of Ashkenazi Jewish descent in gnomAD. Variants that disrupt the consensus splice acceptor site in SMARCAL1 are expected to be pathogenic. This variant is interpreted as pathogenic.

Natera, Inc.
Classification: Pathogenic for Schimke immuno-osseous dysplasia. Last evaluated: 2025-10-26. Review status: criteria provided, single submitter. Criteria: Natera Variant Classification Schema (03/2026). Collection method: clinical testing. Allele origin: germline.
Comment: The c.863-2A>G variant in SMARCAL1 is a canonical splice acceptor site variant predicted to affect pre-mRNA splicing, which may result in an abnormal transcript and altered protein product. This variant may result in a truncated or dysfunctional protein product. The frequency of this variant in the general population is greater than expected for disorder. This variant has been observed in one or more individuals affected with the associated recessive disease, as either homozygous or compound heterozygous with a second variant (PMID: 30586318, 26499378, 18356746, 11799392). This variant has been observed to segregate in affected family members (PMID: 26499378, 18356746). This variant has been found together with another disease-causing variant in the same copy of the gene (PMID: 22998683). Functional studies show that this variant may disrupt protein function (PMID: 18356746). Given the available evidence, this variant is classified as Pathogenic.

Labcorp Genetics (formerly Invitae), Labcorp
Classification: Pathogenic for Schimke immuno-osseous dysplasia. Last evaluated: 2025-07-14. Review status: criteria provided, single submitter. Criteria: Invitae Variant Classification Sherloc (09022015). Collection method: clinical testing. Allele origin: germline.
Comment: This sequence change affects an acceptor splice site in intron 4 of the SMARCAL1 gene. It is expected to disrupt RNA splicing. Variants that disrupt the donor or acceptor splice site typically lead to a loss of protein function (PMID: 16199547), and loss-of-function variants in SMARCAL1 are known to be pathogenic (PMID: 11799392, 20301550). This variant is present in population databases (rs761546902, gnomAD 0.3%). Disruption of this splice site has been observed in individual(s) with Schimke immuno-osseous dysplasia (PMID: 11799392, 22998683). In at least one individual the data is consistent with being in trans (on the opposite chromosome) from a pathogenic variant. ClinVar contains an entry for this variant (Variation ID: 562358). Algorithms developed to predict the effect of variants on gene product structure and function are not available or were not evaluated for this variant. Experimental studies are conflicting or provide insufficient evidence to determine the effect of this variant on SMARCAL1 function (PMID: 22998683). Algorithms developed to predict the effect of sequence changes on RNA splicing suggest that this variant may disrupt the consensus splice site. For these reasons, this variant has been classified as Pathogenic.

Fulgent Genetics
Classification: Pathogenic for Schimke immuno-osseous dysplasia. Last evaluated: 2024-01-17. Review status: criteria provided, single submitter. Criteria: ACMG Guidelines, 2015. Collection method: clinical testing. Allele origin: germline.

Revvity Omics, Revvity
Classification: Pathogenic for Schimke immuno-osseous dysplasia. Last evaluated: 2023-11-10. Review status: criteria provided, single submitter. Criteria: ACMG Guidelines, 2015. Collection method: clinical testing. Allele origin: germline.

Blueprint Genetics
Classification: Pathogenic for SMARCAL1-related disorders. Last evaluated: 2022-05-13. Review status: criteria provided, single submitter. Criteria: ACMG Guidelines, 2015. Collection method: clinical testing. Allele origin: germline. Affected: yes. Observed: 2 variant alleles.

Gharavi Laboratory, Columbia University
Classification: Pathogenic. Last evaluated: 2018-09-16. Review status: no assertion criteria provided. Criteria: ACMG Guidelines, 2015. Collection method: research. Allele origin: germline. Affected: yes. Not counted in ClinVar's aggregate classification.

Dr. Peter K. Rogan Lab, Western University
No classification provided (evidence only). Condition: Familial cancer of breast. Review status: no classification provided. Collection method: in vitro. Allele origin: not applicable. Functional consequence: skipped exon, retained intron. Not counted in ClinVar's aggregate classification.

Literature cited by the submitters: PubMed 30586318 (cited by Natera, Inc.); PubMed 26499378 (cited by Natera, Inc.); PubMed 18356746 (cited by Natera, Inc.); PubMed 11799392 (cited by Natera, Inc. and Labcorp Genetics (formerly Invitae), Labcorp); PubMed 22998683 (cited by Natera, Inc. and Labcorp Genetics (formerly Invitae), Labcorp); PubMed 16199547 (cited by Labcorp Genetics (formerly Invitae), Labcorp); PubMed 20301550 (cited by Labcorp Genetics (formerly Invitae), Labcorp).

NM_014140.4(SMARCAL1):c.863-2A>G

Gene: SMARCAL1 (SNF2 related chromatin remodeling annealing helicase 1; plus strand). Cytogenetic location: 2q35.
Variant type: single nucleotide variant.
Coding change: c.863-2A>G on transcript NM_014140.4 (MANE Select); the canonical splice acceptor site of the intron before coding-DNA position 863, A replaced by G.
Molecular consequence: splice acceptor variant.
Genome position (GRCh38, 1-based): chr2:216,420,297, A>G. VCF-style: chr2-216420297-A-G. GRCh37 (hg19) VCF-style: chr2-217285020-A-G.
Other names: c.863-2A>G (NM_001127207.2).
Identifiers: ClinVar variation 562358 (VCV000562358.24), dbSNP rs761546902, ClinGen allele CA2097729.